The following is an entry in ClinVar:

ClinVar aggregate classification (germline): Pathogenic (0 of 4 stars; one submission).

Conditions:
21-Hydroxylase-Deficient Congenital Adrenal Hyperplasia. Also called: ADRENAL HYPERPLASIA, CONGENITAL, DUE TO 21-HYDROXYLASE DEFICIENCY; ADRENAL HYPERPLASIA III. Identifiers: MedGen C2936858, OMIM 201910.

Submission:

Department of Pediatric Endocrinology and Inherited Metabolic Diseases, Children's Hospital of Fudan University
Classification: Pathogenic for 21-Hydroxylase-Deficient Congenital Adrenal Hyperplasia. Last evaluated: 2021-05-18. Review status: no assertion criteria provided. Collection method: clinical testing. Allele origin: unknown. Inheritance: Autosomal recessive inheritance. Affected: yes. Observed: 1 variant allele, 1 compound heterozygote.

NM_000500.9(CYP21A2):c.833dup (p.Glu279fs)

Genes: CYP21A2 (cytochrome P450 family 21 subfamily A member 2; plus strand), LOC106780800 (CYP21A2 recombination region; plus strand). Cytogenetic location: 6p21.33.
Variant type: Duplication.
Coding change: c.833dup on transcript NM_000500.9 (MANE Select); coding-DNA position 833, one base duplicated (T; older notation c.833dupT).
Protein change: p.Glu279fs; shifts the reading frame from glutamic acid 279.
Molecular consequence: frameshift variant.
Genome position (GRCh38, 1-based): chr6:32,040,099, T duplicated. VCF-style (leftmost placement, unchanged base first): chr6-32040098-C-CT. GRCh37 (hg19) VCF-style: chr6-32007875-C-CT.
Other names: c.833dupT (NM_000500.9); c.743dup, p.Glu249fs (NM_001128590.4); c.428dup, p.Glu144fs (NM_001368143.2, NM_001368144.2); short protein forms E144fs, E249fs, E279fs.
Identifiers: ClinVar variation 1119995 (VCV001119995.2), dbSNP rs2151874375, ClinGen allele CA2499218208.